The following is an entry in ClinVar:

NM_001384140.1(PCDH15):c.4671+1418T>C

Gene: PCDH15 (protocadherin related 15; minus strand). Cytogenetic location: 10q21.1.
Variant type: single nucleotide variant.
Coding change: c.4671+1418T>C on transcript NM_001384140.1 (MANE Select); 1418 bases into the intron after coding-DNA position 4671, T replaced by C.
Molecular consequence: intron variant. On other transcripts: missense variant (2), 3 prime UTR variant (1).
Genome position (GRCh38, 1-based): chr10:53,809,138, A>G on the plus strand (T>C on the coding strand, the complement: PCDH15 is on the minus strand). VCF-style: chr10-53809138-A-G. GRCh37 (hg19) VCF-style: chr10-55568898-A-G.
Other names: c.4927T>C, p.Ser1643Pro (NM_001142769.4); c.*342T>C (NM_001142770.3); c.4906T>C, p.Ser1636Pro (NM_001354411.2); c.4476+1418T>C (NM_001354420.2); c.4605+1418T>C (NM_001354429.2); c.4482+1418T>C (NM_001142772.2); c.4497+1418T>C (NM_001142771.2); short protein forms S1643P, S1636P.
Identifiers: ClinVar variation 179495 (VCV000179495.5), dbSNP rs730880021, ClinGen allele CA184538.
Genomic context (GRCh38, chr10:53,809,138, plus strand): 5'-TTTTCCTTGCTTTTTCTCCTTCTGACTCTGTGGATTCCGATTCTTCTGATTCAGGGGTGG[A>G]ACTCTCCTCCTCCTCAGAGGGTGTCTCTGACTCAGATTCCTCTTCTGTAGTCTCAGACTC-3'

ClinVar aggregate classification (germline): Uncertain significance (1 of 4 stars; one submission).

Allele frequency attached by ClinVar (database versions not stated): gnomAD exomes below 0.00001.
gnomAD v4.1: 1 of 1,613,712 alleles (0.000062%); highest among the groups gnomAD compares: Non-Finnish European, 0.000085%; no homozygotes.

Submission:

Laboratory for Molecular Medicine, Mass General Brigham Personalized Medicine
Classification: Uncertain significance. Last evaluated: 2014-02-01. Review status: criteria provided, single submitter. Criteria: LMM Criteria. Collection method: clinical testing. Allele origin: germline. Observed: 1 variant allele.
Comment: The Ser1643Pro variant in PCDH15 has not been previously reported in individuals with hearing loss and was absent from large population studies. Computational a nalyses (biochemical amino acid properties, conservation, AlignGVGD, PolyPhen2, and SIFT) do not provide strong support for or against an impact to the protein. In summary, additional information is needed to determine the clinical signific ance of this variant.